The following is an entry in ClinVar:

NM_001109878.2(TBX22):c.359G>A (p.Arg120Gln)

Gene: TBX22 (T-box transcription factor 22). Cytogenetic location: Xq21.1.
Variant type: single nucleotide variant.
Coding change: c.359G>A on transcript NM_001109878.2 (MANE Select); coding-DNA position 359, G replaced by A.
Protein change: p.Arg120Gln; replaces arginine 120 with glutamine.
Molecular consequence: missense variant. On other transcripts: 5 prime UTR variant (2).
Genome position (GRCh38, 1-based): chrX:80,024,065, G>A. VCF-style: chrX-80024065-G-A. GRCh37 (hg19) VCF-style: chrX-79279564-G-A.
Other names: c.-2G>A (NM_001109879.2, NM_001303475.1); c.359G>A, p.Arg120Gln (NM_016954.2); short protein forms R120Q.
Identifiers: ClinVar variation 2631861 (VCV002631861.2), dbSNP rs1385589233, ClinGen allele CA413739962.

ClinVar aggregate classification (germline): Conflicting classifications of pathogenicity. Review status: criteria provided, conflicting classifications (1 of 4 stars). 2 submissions from 2 submitters: Likely pathogenic (1); Uncertain significance (1). Last evaluated 2024-01-24.

Conditions:
TBX22-related disorder. Also called: TBX22-related condition.

Allele frequency attached by ClinVar (database versions not stated): TOPMed below 0.00001; gnomAD exomes 0.00001; gnomAD 0.00002.
gnomAD v4.1: 9 of 1,208,364 alleles (0.00074%); highest among the groups gnomAD compares: East Asian, 0.003%; no homozygotes.

Submissions (2):

GeneDx
Classification: Likely pathogenic. Last evaluated: 2024-01-24. Review status: criteria provided, single submitter. Criteria: GeneDx Variant Classification Process June 2021. Collection method: clinical testing. Allele origin: germline. Affected: yes.
Comment: Reported in individuals with isolated cleft of the soft palate, microdontia, and isolated ankyloglossia (PMID: 17868388, 21248356); Published functional studies demonstrate an impaired repression of MyoD promoter activity (PMID: 21248356); In silico analysis supports that this missense variant has a deleterious effect on protein structure/function; In silico analysis suggests this variant may impact gene splicing. In the absence of RNA/functional studies, the actual effect of this sequence change is unknown.; This variant is associated with the following publications: (PMID: 21248356, Basharat2023[paper], 17868388)

PreventionGenetics, part of Exact Sciences
Classification: Uncertain significance for TBX22-related condition. Last evaluated: 2023-01-17. Review status: criteria provided, single submitter. Criteria: ACMG Guidelines, 2015. Collection method: clinical testing. Allele origin: germline.
Comment: The TBX22 c.359G>A variant is predicted to result in the amino acid substitution p.Arg120Gln. This variant was also reported in an individual with ankyloglossia and the individual's carrier mother had microdontia (Kantaputra et al. 2011. PubMed ID: 21248356). Functional studies showed that this variant may affect DNA binding and transcriptional repression (Kantaputra et al. 2011. PubMed ID: 21248356). This variant is reported in 0.0036% of alleles in individuals of Latino descent in gnomAD. A different nucleotide substitution affecting the same amino acid (p.Arg120Trp) has been reported in a family with cleft palate and ankyloglossia (Chaabouni et al. 2005. PubMed ID: 15602089). Although we suspect that the c.359G>A (p.Arg120Gln) variant may be pathogenic, at this time, the clinical significance of this variant is uncertain due to the absence of conclusive functional and genetic evidence.